The following is an entry in ClinVar:

NM_000426.4(LAMA2):c.5944A>T (p.Lys1982Ter)

Gene: LAMA2 (laminin subunit alpha 2; plus strand). Cytogenetic location: 6q22.33.
Variant type: single nucleotide variant.
Coding change: c.5944A>T on transcript NM_000426.4 (MANE Select); coding-DNA position 5944, A replaced by T.
Protein change: p.Lys1982Ter; replaces lysine 1982 with a stop codon.
Molecular consequence: nonsense.
Genome position (GRCh38, 1-based): chr6:129,427,830, A>T. VCF-style: chr6-129427830-A-T. GRCh37 (hg19) VCF-style: chr6-129748975-A-T.
Other names: c.5944A>T, p.Lys1982Ter (NM_001079823.2); short protein forms K1982*.
Identifiers: ClinVar variation 984209 (VCV000984209.4), dbSNP rs1781398399, ClinGen allele CA365624030.

ClinVar aggregate classification (germline): Likely pathogenic (1 of 4 stars; one submission).

Conditions:
LAMA2-related muscular dystrophy (LAMA2-RD). Also called: Laminin alpha 2-related dystrophy. Identifiers: MedGen C5679788, MONDO:0100228.

Submission:

Myriad Genetics, Inc.
Classification: Likely pathogenic for LAMA2-related muscular dystrophy. Last evaluated: 2019-10-30. Review status: criteria provided, single submitter. Criteria: Myriad Autosomal Dominant, Autosomal Recessive and X-Linked Classification Criteria (2023). Collection method: clinical testing. Allele origin: unknown.
Comment: NM_000426.3(LAMA2):c.5944A>T(K1982*) is expected to be pathogenic in the context of LAMA2-related muscular dystrophy. This variant is predicted to lead to an abnormal or absent protein product due to the creation of a premature termination codon in LAMA2, a gene where loss-of-function variants are known to be pathogenic. Please note: this variant was assessed in the context of healthy population screening.